The following is an entry in ClinVar:

NM_002230.4(JUP):c.1586A>T (p.Gln529Leu)

Gene: JUP (junction plakoglobin; minus strand). Cytogenetic location: 17q21.2.
Variant type: single nucleotide variant.
Coding change: c.1586A>T on transcript NM_002230.4 (MANE Select); coding-DNA position 1586, A replaced by T.
Protein change: p.Gln529Leu; replaces glutamine 529 with leucine.
Molecular consequence: missense variant.
Genome position (GRCh38, 1-based): chr17:41,758,782, T>A on the plus strand (A>T on the coding strand, the complement: JUP is on the minus strand). VCF-style: chr17-41758782-T-A. GRCh37 (hg19) VCF-style: chr17-39915034-T-A.
Other names: c.1586A>T, p.Gln529Leu (NM_001352773.2, NM_001352774.2, NM_001352775.2 and 3 more transcripts); short protein forms Q529L.
Identifiers: ClinVar variation 940633 (VCV000940633.9), dbSNP rs1914310860, ClinGen allele CA399493769.
Genomic context (GRCh38, chr17:41,758,782, plus strand): 5'-GGCTGCTGTGTGCCTGCAGCTACGTGGCGCTGGGCATCCTGGTGGGCCTTCACCAGCAGT[T>A]GGACGAGGCGGGGGATGACCGCTGCCTCCTGCAGCGGGGCATGGTTGGCTGGGCACAGGG-3'
Protein context (NP_002221.1, residues 519-539): QEAAVIPRLV[Gln529Leu]LLVKAHQDAQ

ClinVar aggregate classification (germline): Uncertain significance (1 of 4 stars; one submission).

Conditions:
Naxos disease (NXD). Also called: WOOLLY HAIR, PALMOPLANTAR KERATODERMA, AND CARDIAC ABNORMALITIES; KERATOSIS PALMOPLANTARIS WITH ARRHYTHMOGENIC CARDIOMYOPATHY; MAL DE NAXOS; CARDIOMYOPATHY, ARRHYTHMOGENIC RIGHT VENTRICULAR, WITH SKIN, HAIR, AND NAIL ABNORMALITIES; PALMOPLANTAR KERATODERMA WITH ARRHYTHMOGENIC RIGHT VENTRICULAR CARDIOMYOPATHY AND WOOLLY HAIR. Identifiers: Orphanet 34217, MedGen C1832600, MONDO:0011017, OMIM 601214.
Arrhythmogenic right ventricular dysplasia 12. Also called: ARRHYTHMOGENIC RIGHT VENTRICULAR DYSPLASIA, FAMILIAL, 12. Identifiers: MedGen C1969081, MONDO:0012684, OMIM 611528.

Allele frequency attached by ClinVar (database versions not stated): TOPMed below 0.00001; gnomAD 0.00001.

Submission:

Labcorp Genetics (formerly Invitae), Labcorp
Classification: Uncertain significance for Arrhythmogenic right ventricular dysplasia 12; Naxos disease. Last evaluated: 2019-09-02. Review status: criteria provided, single submitter. Criteria: Invitae Variant Classification Sherloc (09022015). Collection method: clinical testing. Allele origin: germline.
Comment: This sequence change replaces glutamine with leucine at codon 529 of the JUP protein (p.Gln529Leu). The glutamine residue is moderately conserved and there is a moderate physicochemical difference between glutamine and leucine. In summary, the available evidence is currently insufficient to determine the role of this variant in disease. Therefore, it has been classified as a Variant of Uncertain Significance. Algorithms developed to predict the effect of missense changes on protein structure and function (SIFT, PolyPhen-2, Align-GVGD) all suggest that this variant is likely to be tolerated, but these predictions have not been confirmed by published functional studies and their clinical significance is uncertain. This variant has not been reported in the literature in individuals with JUP-related conditions. This variant is not present in population databases (ExAC no frequency).